The following is an entry in ClinVar:

ClinVar aggregate classification (germline): Likely benign (0 of 4 stars; one submission).

Conditions:
SYNE1-related disorder. Also called: SYNE1-related disease; SYNE1-related condition; SYNE1-related disorders.

Submission:

PreventionGenetics, part of Exact Sciences
Classification: Likely benign for SYNE1-related condition. Last evaluated: 2022-09-22. Review status: no assertion criteria provided. Collection method: clinical testing. Allele origin: germline.
Comment: This variant is classified as likely benign based on ACMG/AMP sequence variant interpretation guidelines (Richards et al. 2015 PMID: 25741868, with internal and published modifications).

NM_182961.4(SYNE1):c.23340T>C (p.Asn7780=)

Gene: SYNE1 (spectrin repeat containing nuclear envelope protein 1; minus strand). Cytogenetic location: 6q25.2.
Variant type: single nucleotide variant.
Coding change: c.23340T>C on transcript NM_182961.4 (MANE Select); coding-DNA position 23340, T replaced by C.
Protein change: p.Asn7780=; no amino-acid change (asparagine 7780 retained).
Molecular consequence: synonymous variant. On other transcripts: 5 prime UTR variant (1).
Genome position (GRCh38, 1-based): chr6:152,180,256, A>G on the plus strand (T>C on the coding strand, the complement: SYNE1 is on the minus strand). VCF-style: chr6-152180256-A-G. GRCh37 (hg19) VCF-style: chr6-152501391-A-G.
Other names: c.-55T>C (NM_001347701.2); c.23127T>C, p.Asn7709= (NM_033071.5).
Identifiers: ClinVar variation 3046665 (VCV003046665.2), dbSNP rs2550881700, ClinGen allele CA452750274.